The following is an entry in ClinVar:

NM_000372.5(TYR):c.844T>C (p.Tyr282His)

Gene: TYR (tyrosinase; plus strand). Cytogenetic location: 11q14.3.
Variant type: single nucleotide variant.
Coding change: c.844T>C on transcript NM_000372.5 (MANE Select); coding-DNA position 844, T replaced by C.
Protein change: p.Tyr282His; replaces tyrosine 282 with histidine.
Molecular consequence: missense variant.
Genome position (GRCh38, 1-based): chr11:89,191,226, T>C. VCF-style: chr11-89191226-T-C. GRCh37 (hg19) VCF-style: chr11-88924394-T-C.
Other names: short protein forms Y282H.
Identifiers: ClinVar variation 1449221 (VCV001449221.6), dbSNP rs2135253111, ClinGen allele CA382035723.

ClinVar aggregate classification (germline): Uncertain significance (1 of 4 stars; one submission).

Submission:

Labcorp Genetics (formerly Invitae), Labcorp
Classification: Uncertain significance. Last evaluated: 2024-10-23. Review status: criteria provided, single submitter. Criteria: Invitae Variant Classification Sherloc (09022015). Collection method: clinical testing. Allele origin: germline.
Comment: This sequence change replaces tyrosine, which is neutral and polar, with histidine, which is basic and polar, at codon 282 of the TYR protein (p.Tyr282His). This variant is not present in population databases (gnomAD no frequency). This variant has not been reported in the literature in individuals affected with TYR-related conditions. ClinVar contains an entry for this variant (Variation ID: 1449221). Invitae Evidence Modeling of protein sequence and biophysical properties (such as structural, functional, and spatial information, amino acid conservation, physicochemical variation, residue mobility, and thermodynamic stability) indicates that this missense variant is expected to disrupt TYR protein function with a positive predictive value of 95%. In summary, the available evidence is currently insufficient to determine the role of this variant in disease. Therefore, it has been classified as a Variant of Uncertain Significance.